The following is an entry in ClinVar:

NM_006015.6(ARID1A):c.1210C>G (p.Gln404Glu)

Gene: ARID1A (AT-rich interaction domain 1A; plus strand). Cytogenetic location: 1p36.11.
Variant type: single nucleotide variant.
Coding change: c.1210C>G on transcript NM_006015.6 (MANE Select); coding-DNA position 1210, C replaced by G.
Protein change: p.Gln404Glu; replaces glutamine 404 with glutamic acid.
Molecular consequence: missense variant.
Genome position (GRCh38, 1-based): chr1:26,729,723, C>G. VCF-style: chr1-26729723-C-G. GRCh37 (hg19) VCF-style: chr1-27056214-C-G.
Other names: c.1210C>G, p.Gln404Glu (NM_139135.4); short protein forms Q404E.
Identifiers: ClinVar variation 3343116 (VCV003343116.3).

ClinVar aggregate classification (germline): Uncertain significance. Review status: criteria provided, multiple submitters, no conflicts (2 of 4 stars). 2 submissions from 2 submitters: Uncertain significance (2). Last evaluated 2026-01-02.

gnomAD v4.1: 1 of 1,614,128 alleles (0.000062%); no homozygotes.

Submissions (2):

Dasa
Classification: Uncertain significance. Last evaluated: 2026-01-02. Review status: criteria provided, single submitter. Criteria: DASA Assertion Criteria. Collection method: clinical testing. Allele origin: germline.
Comment: NM_006015.6(ARID1A):c.1210C>G (p.Gln404Glu) is a missense variant that results in the substitution of glutamine with glutamic acid. This variant is rare in population databases. The currently available literature and clinical evidence are not sufficient to establish a definitive association between this variant and the reported condition. Therefore, this variant is classified as a variant of uncertain significance.

GeneDx
Classification: Uncertain significance. Last evaluated: 2023-04-15. Review status: criteria provided, single submitter. Criteria: GeneDx Variant Classification Process June 2021. Collection method: clinical testing. Allele origin: germline. Affected: yes.
Comment: Not observed at significant frequency in large population cohorts (gnomAD); In silico analysis supports that this missense variant does not alter protein structure/function; Has not been previously published as pathogenic or benign to our knowledge